The following is an entry in ClinVar:

NM_000103.4(CYP19A1):c.1232del (p.Asn411fs)

Genes: CYP19A1 (cytochrome P450 family 19 subfamily A member 1; minus strand), MIR4713HG (MIR4713 host gene; plus strand), PIRC66 (piwi-interacting RNA cluster 66; plus strand). Cytogenetic location: 15q21.2.
Variant type: Deletion.
Coding change: c.1232del on transcript NM_000103.4 (MANE Select); coding-DNA position 1232, one base deleted (A; older notation c.1232delA).
Protein change: p.Asn411fs; shifts the reading frame from asparagine 411.
Molecular consequence: frameshift variant.
Genome position (GRCh38, 1-based): chr15:51,212,351, T deleted on the plus strand (A on the coding strand, the reverse complement: CYP19A1 is on the minus strand); the first of 2 consecutive T bases (chr15:51,212,351-51,212,352); deleting either gives the same sequence. VCF-style (leftmost placement, unchanged base first): chr15-51212350-AT-A. GRCh37 (hg19) VCF-style: chr15-51504547-AT-A.
Other names: c.1232del, p.Asn411fs (NM_001347248.1, NM_001347249.2, NM_001347250.2 and 7 more transcripts); short protein forms N411fs.
Identifiers: ClinVar variation 4816268 (VCV004816268.1).

ClinVar aggregate classification (germline): Likely pathogenic (1 of 4 stars; one submission).

Conditions:
Aromatase deficiency. Also called: PSEUDOHERMAPHRODITISM, FEMALE, DUE TO PLACENTAL AROMATASE DEFICIENCY; Increased aromatase activity. Identifiers: Orphanet 91, MedGen C1960539, MONDO:0013301, OMIM 613546.

Submission:

Natera, Inc.
Classification: Likely pathogenic for Aromatase deficiency. Last evaluated: 2025-10-15. Review status: criteria provided, single submitter. Criteria: Natera Variant Classification Schema (03/2026). Collection method: clinical testing. Allele origin: germline.
Comment: The c.1232delA variant in CYP19A1 is a frameshift variant predicted to shift the reading frame beginning at codon 411 and leads to a stop codon 35 codons downstream. This variant is expected to result in nonsense mediated decay, truncation, or a dysfunctional protein product. This variant is rare in the general population with a frequency below the threshold expected for the associated phenotype(s). Given the available evidence, this variant is classified as Likely Pathogenic.